The following is an entry in ClinVar:

NM_178857.6(RP1L1):c.4697A>G (p.Gln1566Arg)

Gene: RP1L1 (RP1 like 1). Cytogenetic location: 8p23.1.
Variant type: single nucleotide variant.
Coding change: c.4697A>G on transcript NM_178857.6 (MANE Select); coding-DNA position 4697, A replaced by G.
Protein change: p.Gln1566Arg; replaces glutamine 1566 with arginine.
Molecular consequence: missense variant.
Genome position (GRCh38, 1-based): chr8:10,609,401, T>C on the plus strand (A>G on the coding strand, the complement: RP1L1 is on the minus strand). VCF-style: chr8-10609401-T-C. GRCh37 (hg19) VCF-style: chr8-10466911-T-C.
Other names: c.4697A>G (NM_178857.5); short protein forms Q1566R.
Identifiers: ClinVar variation 4899033 (VCV004899033.2).
Genomic context (GRCh38, chr8:10,609,401, plus strand): 5'-ATCCTACCCGCCCGGCCCTGGAGCTTCTGGAGCTCTCTCTTGGTGCTGTCCTGGAGGCGT[T>C]GGGCCACGTCCTGCTGCAGCTCGGCCGCCATCTGGTCCAGCAGATCATTGTCCTGCAGGC-3'
Protein context (NP_849188.4, residues 1556-1576): MAAELQQDVA[Gln1566Arg]RLQDSTKREL

ClinVar aggregate classification (germline): Uncertain significance. Review status: criteria provided, multiple submitters, no conflicts (2 of 4 stars). 2 submissions from 2 submitters: Uncertain significance (2). Last evaluated 2026-04-17.

Conditions:
RP1L1-related disorder. Also called: RP1L1-related condition.

gnomAD v4.1: 2 of 1,612,412 alleles (0.00012%); highest among the groups gnomAD compares: East Asian, 0.0022%; no homozygotes.

Submissions (2):

PreventionGenetics, part of Exact Sciences
Classification: Uncertain significance for RP1L1-related condition. Last evaluated: 2026-04-17. Review status: criteria provided, single submitter. Criteria: ACMG Guidelines, 2015. Collection method: clinical testing. Allele origin: germline.
Comment: The RP1L1 c.4697A>G variant is predicted to result in the amino acid substitution p.Gln1566Arg. To our knowledge, this variant has not been reported in the literature or in a large population database (gnomAD), indicating this variant is rare. At this time, the clinical significance of this variant is uncertain due to the absence of conclusive functional and genetic evidence.

Blueprint Genetics
Classification: Uncertain significance. Last evaluated: 2024-11-18. Review status: criteria provided, single submitter. Criteria: ACMG Guidelines, 2015. Collection method: clinical testing. Allele origin: germline.